The following is an entry in ClinVar:

NM_000368.5(TSC1):c.1031C>A (p.Ala344Asp)

Gene: TSC1 (TSC complex subunit 1; minus strand). Cytogenetic location: 9q34.13.
Variant type: single nucleotide variant.
Coding change: c.1031C>A on transcript NM_000368.5 (MANE Select); coding-DNA position 1031, C replaced by A.
Protein change: p.Ala344Asp; replaces alanine 344 with aspartic acid.
Molecular consequence: missense variant. On other transcripts: 5 prime UTR variant (2), non-coding transcript variant (5).
Genome position (GRCh38, 1-based): chr9:132,911,112, G>T on the plus strand (C>A on the coding strand, the complement: TSC1 is on the minus strand). VCF-style: chr9-132911112-G-T. GRCh37 (hg19) VCF-style: chr9-135786499-G-T.
Other names: c.1031C>A, p.Ala344Asp (NM_001162426.2, NM_001406592.1, NM_001406593.1 and 16 more transcripts); c.878C>A, p.Ala293Asp (NM_001162427.2, NM_001406610.1, NM_001406611.1 and 2 more transcripts); c.668C>A, p.Ala223Asp (NM_001362177.2, NM_001406614.1, NM_001406615.1 and 10 more transcripts); c.80C>A, p.Ala27Asp (NM_001406626.1, NM_001406627.1, NM_001406628.1); c.-20C>A (NM_001406629.1, NM_001406630.1); short protein forms A223D, A293D, A27D, A344D.
Identifiers: ClinVar variation 2562876 (VCV002562876.3), dbSNP rs2131965142, ClinGen allele CA375367919.

ClinVar aggregate classification (germline): Uncertain significance (1 of 4 stars; one submission).

Conditions:
Hereditary cancer-predisposing syndrome. Also called: Neoplastic Syndromes, Hereditary; Hereditary Cancer Syndrome; Hereditary neoplastic syndrome; Tumor predisposition. Identifiers: Orphanet 140162, MedGen C0027672, MeSH D009386, MONDO:0015356.

Submission:

Ambry Genetics
Classification: Uncertain significance for Hereditary cancer-predisposing syndrome. Last evaluated: 2025-07-09. Review status: criteria provided, single submitter. Criteria: Ambry Variant Classification Scheme 2023. Collection method: clinical testing. Allele origin: germline.
Comment: The p.A344D variant (also known as c.1031C>A), located in coding exon 9 of the TSC1 gene, results from a C to A substitution at nucleotide position 1031. The alanine at codon 344 is replaced by aspartic acid, an amino acid with dissimilar properties. This amino acid position is not well conserved in available vertebrate species. In addition, this alteration is predicted to be tolerated by in silico analysis. Based on the available evidence, the clinical significance of this variant remains unclear.